The following is an entry in ClinVar:

NM_001903.5(CTNNA1):c.1751T>C (p.Met584Thr)

Gene: CTNNA1 (catenin alpha 1; plus strand). Cytogenetic location: 5q31.2.
Variant type: single nucleotide variant.
Coding change: c.1751T>C on transcript NM_001903.5 (MANE Select); coding-DNA position 1751, T replaced by C.
Protein change: p.Met584Thr; replaces methionine 584 with threonine.
Molecular consequence: missense variant.
Genome position (GRCh38, 1-based): chr5:138,925,259, T>C. VCF-style: chr5-138925259-T-C. GRCh37 (hg19) VCF-style: chr5-138260948-T-C.
Other names: c.1751T>C, p.Met584Thr (NM_001290307.3, NM_001323982.2, NM_001323983.1 and 2 more transcripts); c.1442T>C, p.Met481Thr (NM_001290309.3); c.1382T>C, p.Met461Thr (NM_001290310.3); c.641T>C, p.Met214Thr (NM_001290312.1, NM_001323987.1, NM_001323988.1 and 17 more transcripts); c.1658T>C, p.Met553Thr (NM_001323986.2); c.302T>C, p.Met101Thr (NM_001324006.1, NM_001324007.1, NM_001324008.1 and 2 more transcripts); c.548T>C, p.Met183Thr (NM_001324011.1); c.398T>C, p.Met133Thr (NM_001324012.1, NM_001324013.1); short protein forms M461T, M553T, M584T, M481T, M133T, M183T, M214T, M101T.
Identifiers: ClinVar variation 1952191 (VCV001952191.5), dbSNP rs1352998855, ClinGen allele CA361132126.

ClinVar aggregate classification (germline): Uncertain significance (1 of 4 stars; one submission).

gnomAD v4.1: 3 of 1,613,866 alleles (0.00019%); highest among the groups gnomAD compares: Non-Finnish European, 0.00025%; no homozygotes.

Submission:

Labcorp Genetics (formerly Invitae), Labcorp
Classification: Uncertain significance. Last evaluated: 2022-11-25. Review status: criteria provided, single submitter. Criteria: Invitae Variant Classification Sherloc (09022015). Collection method: clinical testing. Allele origin: germline.
Comment: In summary, the available evidence is currently insufficient to determine the role of this variant in disease. Therefore, it has been classified as a Variant of Uncertain Significance. Advanced modeling of protein sequence and biophysical properties (such as structural, functional, and spatial information, amino acid conservation, physicochemical variation, residue mobility, and thermodynamic stability) performed at Invitae indicates that this missense variant is not expected to disrupt CTNNA1 protein function. This sequence change replaces methionine, which is neutral and non-polar, with threonine, which is neutral and polar, at codon 584 of the CTNNA1 protein (p.Met584Thr). This variant is present in population databases (no rsID available, gnomAD 0.0009%). This variant has not been reported in the literature in individuals affected with CTNNA1-related conditions.